The following is an entry in ClinVar:

ClinVar aggregate classification (germline): Likely pathogenic (1 of 4 stars; one submission).

Submission:

Labcorp Genetics (formerly Invitae), Labcorp
Classification: Likely pathogenic. Last evaluated: 2024-04-14. Review status: criteria provided, single submitter. Criteria: Invitae Variant Classification Sherloc (09022015). Collection method: clinical testing. Allele origin: germline.
Comment: This sequence change affects a donor splice site in intron 31 of the COL4A5 gene. It is expected to disrupt RNA splicing. Variants that disrupt the donor or acceptor splice site typically lead to a loss of protein function (PMID: 16199547), and loss-of-function variants in COL4A5 are known to be pathogenic (PMID: 9195222, 10752524, 14514738, 24854265, 26809805). This variant is not present in population databases (gnomAD no frequency). This variant has not been reported in the literature in individuals affected with COL4A5-related conditions. Algorithms developed to predict the effect of sequence changes on RNA splicing suggest that this variant may disrupt the consensus splice site. In summary, the currently available evidence indicates that the variant is pathogenic, but additional data are needed to prove that conclusively. Therefore, this variant has been classified as Likely Pathogenic.

Literature cited by the submitters: PubMed 16199547; PubMed 9195222; PubMed 10752524; PubMed 14514738; PubMed 24854265; PubMed 26809805.

NM_033380.3(COL4A5):c.2677+1G>A

Gene: COL4A5 (collagen type IV alpha 5 chain; plus strand). Cytogenetic location: Xq22.3.
Variant type: single nucleotide variant.
Coding change: c.2677+1G>A on transcript NM_033380.3 (MANE Select); the canonical splice donor site of the intron after coding-DNA position 2677, G replaced by A.
Molecular consequence: splice donor variant.
Genome position (GRCh38, 1-based): chrX:108,620,427, G>A. VCF-style: chrX-108620427-G-A. GRCh37 (hg19) VCF-style: chrX-107863657-G-A.
Other names: c.2677+1G>A (NM_000495.5).
Identifiers: ClinVar variation 3649849 (VCV003649849.2).
Genomic context (GRCh38, chrX:108,620,427, plus strand): 5'-CTATAGGACCTCCAGGATCACCAGGGCTTCCAGGAAAAGCAGGTGCCTCTGGATTTCCAG[G>A]TAATTTGTTTAAAGTTTTCTCTGATTTGGATTAAGGAAATTAAAACTAATACGACTCTGG-3'